The following is an entry in ClinVar:

NM_014874.4(MFN2):c.600-9C>A

Gene: MFN2 (mitofusin 2; plus strand). Cytogenetic location: 1p36.22.
Variant type: single nucleotide variant.
Coding change: c.600-9C>A on transcript NM_014874.4 (MANE Select); 9 bases into the intron before coding-DNA position 600, C replaced by A.
Molecular consequence: intron variant.
Genome position (GRCh38, 1-based): chr1:11,998,761, C>A. VCF-style: chr1-11998761-C-A. GRCh37 (hg19) VCF-style: chr1-12058818-C-A.
Other names: c.600-9C>A (NM_001127660.2).
Identifiers: ClinVar variation 4736139 (VCV004736139.1).

ClinVar aggregate classification (germline): Uncertain significance (1 of 4 stars; one submission).

Conditions:
Charcot-Marie-Tooth disease type 2. Also called: Charcot-Marie-Tooth type 2. Identifiers: Orphanet 64746, MedGen C0270914, MONDO:0018993.

Submission:

Labcorp Genetics (formerly Invitae), Labcorp
Classification: Uncertain significance for Charcot-Marie-Tooth disease type 2. Last evaluated: 2026-01-25. Review status: criteria provided, single submitter. Criteria: Invitae Variant Classification Sherloc (09022015). Collection method: clinical testing. Allele origin: germline.
Comment: This sequence change falls in intron 6 of the MFN2 gene. It does not directly change the encoded amino acid sequence of the MFN2 protein. This variant is not present in population databases (gnomAD no frequency). This variant has not been reported in the literature in individuals affected with MFN2-related conditions. Algorithms developed to predict the effect of sequence changes on RNA splicing suggest that this variant may disrupt the consensus splice site. In summary, the available evidence is currently insufficient to determine the role of this variant in disease. Therefore, it has been classified as a Variant of Uncertain Significance.